The following is an entry in ClinVar:

NM_000083.3(CLCN1):c.301G>A (p.Asp101Asn)

Gene: CLCN1 (chloride voltage-gated channel 1; plus strand). Cytogenetic location: 7q34.
Variant type: single nucleotide variant.
Coding change: c.301G>A on transcript NM_000083.3 (MANE Select); coding-DNA position 301, G replaced by A.
Protein change: p.Asp101Asn; replaces aspartic acid 101 with asparagine.
Molecular consequence: missense variant. On other transcripts: non-coding transcript variant (1).
Genome position (GRCh38, 1-based): chr7:143,319,875, G>A. VCF-style: chr7-143319875-G-A. GRCh37 (hg19) VCF-style: chr7-143016968-G-A.
Other names: short protein forms D101N.
Identifiers: ClinVar variation 447066 (VCV000447066.6), dbSNP rs1204927357, ClinGen allele CA369681250.

ClinVar aggregate classification (germline): Uncertain significance. Review status: criteria provided, multiple submitters, no conflicts (2 of 4 stars). 3 submissions from 3 submitters: Uncertain significance (3). Last evaluated 2024-11-05.

Conditions:
Congenital myotonia, autosomal recessive form. Also called: myotonia congenita, autosomal recessive; BECKER DISEASE; Becker Generalized Myotonia. Identifiers: Orphanet 614, MedGen C0751360, MONDO:0009715, OMIM 255700.
Congenital myotonia, autosomal dominant form (THD). Also called: THOMSEN DISEASE; Myotonia congenita autosomal dominant. Identifiers: Orphanet 614, MedGen C2936781, MONDO:0008055, OMIM 160800.

Allele frequency attached by ClinVar (database versions not stated): TOPMed below 0.00001.

Submissions (3):

Labcorp Genetics (formerly Invitae), Labcorp
Classification: Uncertain significance for Congenital myotonia, autosomal recessive form; Congenital myotonia, autosomal dominant form. Last evaluated: 2024-11-05. Review status: criteria provided, single submitter. Criteria: Invitae Variant Classification Sherloc (09022015). Collection method: clinical testing. Allele origin: germline.
Comment: This sequence change replaces aspartic acid, which is acidic and polar, with asparagine, which is neutral and polar, at codon 101 of the CLCN1 protein (p.Asp101Asn). This variant also falls at the last nucleotide of exon 2, which is part of the consensus splice site for this exon. This variant is not present in population databases (gnomAD no frequency). This variant has not been reported in the literature in individuals affected with CLCN1-related conditions. ClinVar contains an entry for this variant (Variation ID: 447066). An algorithm developed to predict the effect of missense changes on protein structure and function outputs the following: PolyPhen-2: "Benign". The asparagine amino acid residue is found in multiple mammalian species, which suggests that this missense change does not adversely affect protein function. Variants that disrupt the consensus splice site are a relatively common cause of aberrant splicing (PMID: 17576681, 9536098). Algorithms developed to predict the effect of sequence changes on RNA splicing suggest that this variant may disrupt the consensus splice site. In summary, the available evidence is currently insufficient to determine the role of this variant in disease. Therefore, it has been classified as a Variant of Uncertain Significance.

Revvity Omics, Revvity
Classification: Uncertain significance. Last evaluated: 2022-01-05. Review status: criteria provided, single submitter. Criteria: ACMG Guidelines, 2015. Collection method: clinical testing. Allele origin: germline.

Athena Diagnostics
Classification: Uncertain significance. Last evaluated: 2017-06-27. Review status: criteria provided, single submitter. Criteria: Athena Diagnostics Criteria. Collection method: clinical testing. Allele origin: germline.

Literature cited by the submitters: PubMed 17576681 (cited by Labcorp Genetics (formerly Invitae), Labcorp); PubMed 9536098 (cited by Labcorp Genetics (formerly Invitae), Labcorp).